The following is an entry in ClinVar:

NM_001282531.3(ADNP):c.1248G>C (p.Gln416His)

Gene: ADNP (activity dependent neuroprotector homeobox; minus strand). Cytogenetic location: 20q13.13.
Variant type: single nucleotide variant.
Coding change: c.1248G>C on transcript NM_001282531.3 (MANE Select); coding-DNA position 1248, G replaced by C.
Protein change: p.Gln416His; replaces glutamine 416 with histidine.
Molecular consequence: missense variant.
Genome position (GRCh38, 1-based): chr20:50,893,466, C>G on the plus strand (G>C on the coding strand, the complement: ADNP is on the minus strand). VCF-style: chr20-50893466-C-G. GRCh37 (hg19) VCF-style: chr20-49510003-C-G.
Other names: c.1248G>C, p.Gln416His (NM_001282532.2, NM_001347511.2, NM_015339.5 and 1 more transcripts); short protein forms Q416H.
Identifiers: ClinVar variation 2573578 (VCV002573578.1), dbSNP rs1981019232, ClinGen allele CA408974027.

ClinVar aggregate classification (germline): Uncertain significance (1 of 4 stars; one submission).

Allele frequency attached by ClinVar (database versions not stated): gnomAD exomes below 0.00001.
gnomAD v4.1: 2 of 1,614,012 alleles (0.00012%); highest among the groups gnomAD compares: Non-Finnish European, 0.00017%; no homozygotes.

Submission:

Women's Health and Genetics/Laboratory Corporation of America, LabCorp
Classification: Uncertain significance. Last evaluated: 2023-06-30. Review status: criteria provided, single submitter. Criteria: LabCorp Variant Classification Summary - May 2015. Collection method: clinical testing. Allele origin: germline.
Comment: Variant summary: ADNP c.1248G>C (p.Gln416His) results in a non-conservative amino acid change located in the ADNP, zinc finger domain (IPR045762) of the encoded protein sequence. Three of five in-silico tools predict a damaging effect of the variant on protein function. The variant was absent in 251252 control chromosomes. The available data on variant occurrences in the general population are insufficient to allow any conclusion about variant significance. To our knowledge, no occurrence of c.1248G>C in individuals affected with ADNP-Related Multiple Congenital Anomalies-Intellectual Disability-Autism Spectrum Disorder and no experimental evidence demonstrating its impact on protein function have been reported. No submitters have cited clinical-significance assessments for this variant to ClinVar after 2014. Based on the evidence outlined above, the variant was classified as uncertain significance.